The following is an entry in ClinVar:

ClinVar aggregate classification (germline): Uncertain significance. Review status: criteria provided, multiple submitters, no conflicts (2 of 4 stars). 2 submissions from 2 submitters: Uncertain significance (2). Last evaluated 2024-05-26.

Conditions:
Hereditary cancer-predisposing syndrome. Also called: Hereditary neoplastic syndrome; Neoplastic Syndromes, Hereditary; Hereditary Cancer Syndrome; Tumor predisposition. Identifiers: Orphanet 140162, MedGen C0027672, MeSH D009386, MONDO:0015356.
Carney complex, type 1 (CNC1). Also called: CARNEY COMPLEX, TYPE I; CARNEY MYXOMA-ENDOCRINE COMPLEX. Identifiers: Orphanet 1359, MedGen C2607929, MONDO:0008057, OMIM 160980.

Allele frequency attached by ClinVar (database versions not stated): TOPMed below 0.00001.

Submissions (2):

Ambry Genetics
Classification: Uncertain significance for Hereditary cancer-predisposing syndrome. Last evaluated: 2024-05-26. Review status: criteria provided, single submitter. Criteria: Ambry Variant Classification Scheme 2023. Collection method: clinical testing. Allele origin: germline.
Comment: The p.A41D variant (also known as c.122C>A), located in coding exon 1 of the PRKAR1A gene, results from a C to A substitution at nucleotide position 122. The alanine at codon 41 is replaced by aspartic acid, an amino acid with dissimilar properties. This amino acid position is conserved. In addition, the in silico prediction for this alteration is inconclusive. Based on the available evidence, the clinical significance of this variant remains unclear.

Labcorp Genetics (formerly Invitae), Labcorp
Classification: Uncertain significance for Carney complex, type 1. Last evaluated: 2019-11-03. Review status: criteria provided, single submitter. Criteria: Invitae Variant Classification Sherloc (09022015). Collection method: clinical testing. Allele origin: germline.
Comment: This variant is not present in population databases (ExAC no frequency). This sequence change replaces alanine with aspartic acid at codon 41 of the PRKAR1A protein (p.Ala41Asp). The alanine residue is weakly conserved and there is a moderate physicochemical difference between alanine and aspartic acid. This variant has not been reported in the literature in individuals with PRKAR1A-related conditions. In summary, the available evidence is currently insufficient to determine the role of this variant in disease. Therefore, it has been classified as a Variant of Uncertain Significance. Algorithms developed to predict the effect of missense changes on protein structure and function (SIFT, PolyPhen-2, Align-GVGD) all suggest that this variant is likely to be tolerated, but these predictions have not been confirmed by published functional studies and their clinical significance is uncertain.

NM_002734.5(PRKAR1A):c.122C>A (p.Ala41Asp)

Gene: PRKAR1A (protein kinase cAMP-dependent type I regulatory subunit alpha; plus strand). Cytogenetic location: 17q24.2.
Variant type: single nucleotide variant.
Coding change: c.122C>A on transcript NM_002734.5 (MANE Select); coding-DNA position 122, C replaced by A.
Protein change: p.Ala41Asp; replaces alanine 41 with aspartic acid.
Molecular consequence: missense variant.
Genome position (GRCh38, 1-based): chr17:68,515,521, C>A. VCF-style: chr17-68515521-C-A. GRCh37 (hg19) VCF-style: chr17-66511662-C-A.
Other names: c.122C>A (NM_002734.3); c.122C>A, p.Ala41Asp (NM_001276289.2, NM_001276290.1, NM_001278433.2 and 4 more transcripts); short protein forms A41D.
Identifiers: ClinVar variation 965509 (VCV000965509.10), dbSNP rs1460961845, ClinGen allele CA400752016.
Genomic context (GRCh38, chr17:68,515,521, plus strand): 5'-ACGTCCAGAAGCATAACATTCAAGCGCTGCTCAAAGATTCTATTGTGCAGTTGTGCACTG[C>A]TCGACCTGAGAGACCCATGGCATTCCTCAGGGAATACTTTGAGAGGTTGGAGAAGGTAAA-3'
Protein context (NP_002725.1, residues 31-51): LKDSIVQLCT[Ala41Asp]RPERPMAFLR